The following is an entry in ClinVar:

ClinVar aggregate classification (germline): Uncertain significance (1 of 4 stars; one submission).

Conditions:
Oligodontia-cancer predisposition syndrome. Also called: TOOTH AGENESIS-COLORECTAL CANCER SYNDROME. Identifiers: Orphanet 300576, MedGen C1837750, MONDO:0012075, OMIM 608615. Disease mechanism: loss of function.

Allele frequency attached by ClinVar (database versions not stated): gnomAD exomes below 0.00001.
gnomAD v4.1: 1 of 1,614,206 alleles (0.000062%); highest among the groups gnomAD compares: East Asian, 0.0022%; no homozygotes.

Submission:

Labcorp Genetics (formerly Invitae), Labcorp
Classification: Uncertain significance for Oligodontia-cancer predisposition syndrome. Last evaluated: 2022-06-01. Review status: criteria provided, single submitter. Criteria: Invitae Variant Classification Sherloc (09022015). Collection method: clinical testing. Allele origin: germline.
Comment: This sequence change replaces isoleucine, which is neutral and non-polar, with valine, which is neutral and non-polar, at codon 835 of the AXIN2 protein (p.Ile835Val). This variant is not present in population databases (gnomAD no frequency). This variant has not been reported in the literature in individuals affected with AXIN2-related conditions. Algorithms developed to predict the effect of missense changes on protein structure and function (SIFT, PolyPhen-2, Align-GVGD) all suggest that this variant is likely to be tolerated. In summary, the available evidence is currently insufficient to determine the role of this variant in disease. Therefore, it has been classified as a Variant of Uncertain Significance.

NM_004655.4(AXIN2):c.2503A>G (p.Ile835Val)

Gene: AXIN2 (axin 2; minus strand). Cytogenetic location: 17q24.1.
Variant type: single nucleotide variant.
Coding change: c.2503A>G on transcript NM_004655.4 (MANE Select); coding-DNA position 2503, A replaced by G.
Protein change: p.Ile835Val; replaces isoleucine 835 with valine.
Molecular consequence: missense variant.
Genome position (GRCh38, 1-based): chr17:65,530,005, T>C on the plus strand (A>G on the coding strand, the complement: AXIN2 is on the minus strand). VCF-style: chr17-65530005-T-C. GRCh37 (hg19) VCF-style: chr17-63526123-T-C.
Other names: c.2308A>G, p.Ile770Val (NM_001363813.1); short protein forms I770V, I835V.
Identifiers: ClinVar variation 2001635 (VCV002001635.4), dbSNP rs2043789852, ClinGen allele CA400674768.